The following is an entry in ClinVar:

NM_000235.4(LIPA):c.821T>A (p.Met274Lys)

Gene: LIPA (lipase A, lysosomal acid type; minus strand). Cytogenetic location: 10q23.31.
Variant type: single nucleotide variant.
Coding change: c.821T>A on transcript NM_000235.4 (MANE Select); coding-DNA position 821, T replaced by A.
Protein change: p.Met274Lys; replaces methionine 274 with lysine.
Molecular consequence: missense variant.
Genome position (GRCh38, 1-based): chr10:89,223,685, A>T on the plus strand (T>A on the coding strand, the complement: LIPA is on the minus strand). VCF-style: chr10-89223685-A-T. GRCh37 (hg19) VCF-style: chr10-90983442-A-T.
Other names: c.821T>A, p.Met274Lys (NM_001127605.3); c.473T>A, p.Met158Lys (NM_001288979.2); short protein forms M158K, M274K.
Identifiers: ClinVar variation 1693340 (VCV001693340.2), dbSNP rs2133426927, ClinGen allele CA377516811.

ClinVar aggregate classification (germline): Uncertain significance (1 of 4 stars; one submission).

Submission:

GeneDx
Classification: Uncertain significance. Last evaluated: 2022-01-03. Review status: criteria provided, single submitter. Criteria: GeneDx Variant Classification Process June 2021. Collection method: clinical testing. Allele origin: germline. Affected: yes.
Comment: Has not been previously published as pathogenic or benign to our knowledge; Not observed at significant frequency in large population cohorts (gnomAD); In silico analysis supports that this missense variant has a deleterious effect on protein structure/function